The following is an entry in ClinVar:

ClinVar aggregate classification (germline): Uncertain significance (1 of 4 stars; one submission).

Submission:

Dasa
Classification: Uncertain significance. Last evaluated: 2026-04-21. Review status: criteria provided, single submitter. Criteria: DASA Assertion Criteria. Collection method: clinical testing. Allele origin: germline.
Comment: NM_020719.3(PRR12):c.6097A>G (p.Ser2033Gly) is a missense variant that results in the substitution of serine with glycine. This variant is absent from population databases. The currently available literature and clinical evidence are not sufficient to establish a definitive association between this variant and the reported condition. Therefore, this variant is classified as a variant of uncertain significance.

NM_020719.3(PRR12):c.6097A>G (p.Ser2033Gly)

Gene: PRR12 (proline rich 12; plus strand). Cytogenetic location: 19q13.33.
Variant type: single nucleotide variant.
Coding change: c.6097A>G on transcript NM_020719.3 (MANE Select); coding-DNA position 6097, A replaced by G.
Protein change: p.Ser2033Gly; replaces serine 2033 with glycine.
Molecular consequence: missense variant.
Genome position (GRCh38, 1-based): chr19:49,625,593, A>G. VCF-style: chr19-49625593-A-G. GRCh37 (hg19) VCF-style: chr19-50128850-A-G.
Other names: short protein forms S2033G.
Identifiers: ClinVar variation 4883614 (VCV004883614.2).